The following is an entry in ClinVar:

NM_015021.3(ZNF292):c.2870_2871insT (p.Thr958fs)

Gene: ZNF292 (zinc finger protein 292; plus strand). Cytogenetic location: 6q14.3.
Variant type: Insertion.
Coding change: c.2870_2871insT on transcript NM_015021.3 (MANE Select); coding-DNA positions 2870 to 2871, T inserted.
Protein change: p.Thr958fs; shifts the reading frame from threonine 958.
Molecular consequence: frameshift variant.
Genome position: GRCh38 VCF-style: chr6-87256499-C-CT. GRCh37 (hg19) VCF-style: chr6-87966217-C-CT.
Other names: c.2450_2451insT, p.Thr818fs (NM_001351444.2); short protein forms T818fs, T958fs.
Identifiers: ClinVar variation 3704755 (VCV003704755.2).

ClinVar aggregate classification (germline): Pathogenic (1 of 4 stars; one submission).

Submission:

Labcorp Genetics (formerly Invitae), Labcorp
Classification: Pathogenic. Last evaluated: 2024-09-23. Review status: criteria provided, single submitter. Criteria: Invitae Variant Classification Sherloc (09022015). Collection method: clinical testing. Allele origin: germline.
Comment: This sequence change creates a premature translational stop signal (p.Thr958Asnfs*7) in the ZNF292 gene. While this is not anticipated to result in nonsense mediated decay, it is expected to disrupt the last 1766 amino acid(s) of the ZNF292 protein. This variant is not present in population databases (gnomAD no frequency). This variant has not been reported in the literature in individuals affected with ZNF292-related conditions. This variant disrupts a region of the ZNF292 protein in which other variant(s) (p.Glu2054Lysfs*14) have been determined to be pathogenic (PMID: 31723249). This suggests that this is a clinically significant region of the protein, and that variants that disrupt it are likely to be disease-causing. For these reasons, this variant has been classified as Pathogenic.

Literature cited by the submitters: PubMed 31723249.